The following is an entry in ClinVar:

NM_001374736.1(DST):c.20095-20A>G

Gene: DST (dystonin; minus strand). Cytogenetic location: 6p12.1.
Variant type: single nucleotide variant.
Coding change: c.20095-20A>G on transcript NM_001374736.1 (MANE Select); 20 bases into the intron before coding-DNA position 20095, A replaced by G.
Molecular consequence: intron variant.
Genome position (GRCh38, 1-based): chr6:56,497,527, T>C on the plus strand (A>G on the coding strand, the complement: DST is on the minus strand). VCF-style: chr6-56497527-T-C. GRCh37 (hg19) VCF-style: chr6-56362325-T-C.
Other names: c.13738-20A>G (NM_001144769.5); c.20095-20A>G (NM_001374722.1); c.20122-20A>G (NM_001374734.1); c.13324-20A>G (NM_001144770.2); c.12877-20A>G (NM_001374730.1); c.13204-20A>G (NM_001386100.1, NM_183380.4); c.19135-20A>G (NM_001374729.1); c.12226-20A>G (NM_015548.5).
Identifiers: ClinVar variation 2148022 (VCV002148022.1), dbSNP rs377312155, ClinGen allele CA3866839.
Genomic context (GRCh38, chr6:56,497,527, plus strand): 5'-CACTGCTGCAAATCCTCAATTTCGCCATGGAACCCTTTGGCCTGAAGTAATAGGCAGTTT[T>C]AAGTTGGGGCCATAAACACTGTCAGTTTCAAGCAGGAAATAAGCTTCAAACAATCCCAGC-3'

ClinVar aggregate classification (germline): Uncertain significance (1 of 4 stars; one submission).

Conditions:
Hereditary sensory and autonomic neuropathy type 6. Also called: Neuropathy, hereditary sensory and autonomic, type VI; HSAN VI. Identifiers: Orphanet 314381, MedGen C3539003, MONDO:0013839, OMIM 614653.
Epidermolysis bullosa simplex 3, localized or generalized intermediate, with BP230 deficiency (EBS3). Also called: Epidermolysis bullosa simplex due to BP230 deficiency; Epidermolysis bullosa simplex, autosomal recessive 2. Identifiers: Orphanet 412181, MedGen C3809470, MONDO:0014180, OMIM 615425.

Allele frequency attached by ClinVar (database versions not stated): gnomAD exomes 0.00002; ExAC 0.00003; gnomAD 0.00005; TOPMed 0.00006; ESP Exome Variant Server 0.00008.
gnomAD v4.1: 32 of 1,610,276 alleles (0.002%); highest among the groups gnomAD compares: Admixed American, 0.0084%; no homozygotes.

Submission:

Labcorp Genetics (formerly Invitae), Labcorp
Classification: Uncertain significance for Epidermolysis bullosa simplex 3, localized or generalized intermediate, with BP230 deficiency; Hereditary sensory and autonomic neuropathy type 6. Last evaluated: 2022-04-30. Review status: criteria provided, single submitter. Criteria: Invitae Variant Classification Sherloc (09022015). Collection method: clinical testing. Allele origin: germline.
Comment: The DST gene has multiple clinically relevant transcripts. This variant occurs in alternate transcript NM_015548.4, and corresponds to NM_001723.5:c.*117990A>G in the primary transcript. This sequence change falls in intron 62 of the DST gene. It does not directly change the encoded amino acid sequence of the DST protein. This variant is present in population databases (rs377312155, gnomAD 0.006%). This variant has not been reported in the literature in individuals affected with DST-related conditions. Experimental studies and prediction algorithms are not available or were not evaluated, and the effect of this variant on mRNA splicing is currently unknown. In summary, the available evidence is currently insufficient to determine the role of this variant in disease. Therefore, it has been classified as a Variant of Uncertain Significance.